The following is an entry in ClinVar:

ClinVar aggregate classification (germline): Likely benign. Review status: criteria provided, multiple submitters, no conflicts (2 of 4 stars). 2 submissions from 2 submitters: Likely benign (2). Last evaluated 2026-07-10.

Conditions:
PEX6-related disorder. Also called: PEX6-related condition; PEX6-related disorders.
Peroxisome biogenesis disorder. Identifiers: Orphanet 79189, MedGen C1832200, MONDO:0019234. Disease mechanism: loss of function.

Allele frequency attached by ClinVar (database versions not stated): gnomAD exomes below 0.00001; gnomAD 0.00001; TOPMed 0.00001.
gnomAD v4.1: 8 of 1,614,002 alleles (0.0005%); highest among the groups gnomAD compares: Non-Finnish European, 0.00059%; no homozygotes.

Submissions (2):

PreventionGenetics, part of Exact Sciences
Classification: Likely benign for PEX6-related condition. Last evaluated: 2026-07-10. Review status: criteria provided, single submitter. Criteria: ACMG Guidelines, 2015. Collection method: clinical testing. Allele origin: germline.
Comment: This variant is classified as likely benign based on ACMG/AMP sequence variant interpretation guidelines (Richards et al. 2015 PMID: 25741868, with internal and published modifications).

Labcorp Genetics (formerly Invitae), Labcorp
Classification: Likely benign for Peroxisome biogenesis disorder. Last evaluated: 2026-01-17. Review status: criteria provided, single submitter. Criteria: Invitae Variant Classification Sherloc (09022015). Collection method: clinical testing. Allele origin: germline.

NM_000287.4(PEX6):c.693A>G (p.Ser231=)

Gene: PEX6 (peroxisomal biogenesis factor 6; minus strand). Cytogenetic location: 6p21.1.
Variant type: single nucleotide variant.
Coding change: c.693A>G on transcript NM_000287.4 (MANE Select); coding-DNA position 693, A replaced by G.
Protein change: p.Ser231=; no amino-acid change (serine 231 retained).
Molecular consequence: synonymous variant. On other transcripts: non-coding transcript variant (1), intron variant (1).
Genome position (GRCh38, 1-based): chr6:42,978,458, T>C on the plus strand (A>G on the coding strand, the complement: PEX6 is on the minus strand). VCF-style: chr6-42978458-T-C. GRCh37 (hg19) VCF-style: chr6-42946196-T-C.
Other names: c.618+75A>G (NM_001316313.2); c.693A>G (NM_000287.3).
Identifiers: ClinVar variation 1550548 (VCV001550548.9), dbSNP rs1379751437, ClinGen allele CA450366386.